The following is an entry in ClinVar:

ClinVar aggregate classification (germline): Uncertain significance. Review status: criteria provided, multiple submitters, no conflicts (2 of 4 stars). 4 submissions from 4 submitters: Uncertain significance (4). Last evaluated 2024-11-20.

Conditions:
Deficiency of hyaluronoglucosaminidase (MPS9). Also called: Mucopolysaccharidosis type 9; HYALURONIDASE DEFICIENCY; MPS IX. Identifiers: Orphanet 67041, MedGen C1291490, MONDO:0011093, OMIM 601492.

Allele frequency attached by ClinVar (database versions not stated): 1000 Genomes Project 30x 0.00016; 1000 Genomes Project 0.00020; gnomAD 0.00044 and 0.00046; TOPMed 0.00047; ExAC 0.00061; ESP Exome Variant Server 0.00077.
gnomAD v4.1: 1,084 of 1,614,242 alleles (0.067%); highest among the groups gnomAD compares: Non-Finnish European, 0.085%; 1 homozygote.

Submissions (4):

Ambry Genetics
Classification: Uncertain significance. Last evaluated: 2024-11-20. Review status: criteria provided, single submitter. Criteria: Ambry Variant Classification Scheme 2023. Collection method: clinical testing. Allele origin: germline.

Labcorp Genetics (formerly Invitae), Labcorp
Classification: Uncertain significance for Deficiency of hyaluronoglucosaminidase. Last evaluated: 2022-05-25. Review status: criteria provided, single submitter. Criteria: Invitae Variant Classification Sherloc (09022015). Collection method: clinical testing. Allele origin: germline.
Comment: This sequence change replaces glutamic acid, which is acidic and polar, with aspartic acid, which is acidic and polar, at codon 430 of the HYAL1 protein (p.Glu430Asp). This variant is present in population databases (rs147678727, gnomAD 0.1%), and has an allele count higher than expected for a pathogenic variant. This variant has not been reported in the literature in individuals affected with HYAL1-related conditions. ClinVar contains an entry for this variant (Variation ID: 901013). Algorithms developed to predict the effect of missense changes on protein structure and function (SIFT, PolyPhen-2, Align-GVGD) all suggest that this variant is likely to be tolerated. In summary, the available evidence is currently insufficient to determine the role of this variant in disease. Therefore, it has been classified as a Variant of Uncertain Significance.

Mayo Clinic Laboratories, Mayo Clinic
Classification: Uncertain significance. Last evaluated: 2021-05-28. Review status: criteria provided, single submitter. Criteria: ACMG Guidelines, 2015. Collection method: clinical testing. Allele origin: germline.

Illumina Laboratory Services, Illumina
Classification: Uncertain significance for Deficiency of hyaluronoglucosaminidase. Last evaluated: 2018-01-13. Review status: criteria provided, single submitter. Criteria: ICSL Variant Classification Criteria 13 December 2019. Collection method: clinical testing. Allele origin: germline.

NM_033159.4(HYAL1):c.1290G>C (p.Glu430Asp)

Gene: HYAL1 (hyaluronidase 1; minus strand). Cytogenetic location: 3p21.31.
Variant type: single nucleotide variant.
Coding change: c.1290G>C on transcript NM_033159.4 (MANE Select); coding-DNA position 1290, G replaced by C.
Protein change: p.Glu430Asp; replaces glutamic acid 430 with aspartic acid.
Molecular consequence: missense variant. On other transcripts: non-coding transcript variant (1).
Genome position (GRCh38, 1-based): chr3:50,300,501, C>G on the plus strand (G>C on the coding strand, the complement: HYAL1 is on the minus strand). VCF-style: chr3-50300501-C-G. GRCh37 (hg19) VCF-style: chr3-50337932-C-G.
Other names: p.Glu430Asp; c.1290G>C, p.Glu430Asp (NM_153281.2); c.1200G>C, p.Glu400Asp (NM_153282.3); c.744G>C, p.Glu248Asp (NM_153283.3); c.513G>C, p.Glu171Asp (NM_153285.3); short protein forms E430D, E171D, E248D, E400D.
Identifiers: ClinVar variation 901013 (VCV000901013.11), dbSNP rs147678727, ClinGen allele CA2415691.
Genomic context (GRCh38, chr3:50,300,501, plus strand): 5'-GTGCATTAGGTTCTCAATATGTGCAACTCAGTGTGTGGCCAATCACCACATGCTCTTCCG[C>G]TCACACCACGGTGCCTGCCAGCCAGGGTAGCATCGACATTTGAACTCCACAGCCATCTGT-3'
Protein context (NP_149349.2, residues 420-435): CYPGWQAPWC[Glu430Asp]RKSMW